The following is an entry in ClinVar:

ClinVar aggregate classification (germline): Conflicting classifications of pathogenicity. Review status: criteria provided, conflicting classifications (1 of 4 stars). 3 submissions from 3 submitters: Uncertain significance (2); Likely benign (1). Last evaluated 2024-12-04.

Allele frequency attached by ClinVar (database versions not stated): gnomAD 0.00009; 1000 Genomes Project 30x 0.00016; 1000 Genomes Project 0.00020.
gnomAD v4.1: 87 of 1,588,212 alleles (0.0055%); highest among the groups gnomAD compares: South Asian, 0.044%; no homozygotes.

Submissions (3):

Labcorp Genetics (formerly Invitae), Labcorp
Classification: Uncertain significance. Last evaluated: 2024-12-04. Review status: criteria provided, single submitter. Criteria: Invitae Variant Classification Sherloc (09022015). Collection method: clinical testing. Allele origin: germline.
Comment: This sequence change replaces arginine, which is basic and polar, with histidine, which is basic and polar, at codon 156 of the MRPL3 protein (p.Arg156His). This variant is present in population databases (rs537480020, gnomAD 0.07%). This variant has not been reported in the literature in individuals affected with MRPL3-related conditions. ClinVar contains an entry for this variant (Variation ID: 2574363). An algorithm developed to predict the effect of missense changes on protein structure and function outputs the following: PolyPhen-2: "Benign". The histidine amino acid residue is found in multiple mammalian species, which suggests that this missense change does not adversely affect protein function. In summary, the available evidence is currently insufficient to determine the role of this variant in disease. Therefore, it has been classified as a Variant of Uncertain Significance.

GeneDx
Classification: Uncertain significance. Last evaluated: 2023-07-19. Review status: criteria provided, single submitter. Criteria: GeneDx Variant Classification Process June 2021. Collection method: clinical testing. Allele origin: germline. Affected: yes.
Comment: In silico analysis supports that this missense variant does not alter protein structure/function; Has not been previously published as pathogenic or benign to our knowledge

Ambry Genetics
Classification: Likely benign. Last evaluated: 2021-10-12. Review status: criteria provided, single submitter. Criteria: Ambry Variant Classification Scheme 2023. Collection method: clinical testing. Allele origin: germline.

NM_007208.4(MRPL3):c.467G>A (p.Arg156His)

Gene: MRPL3 (mitochondrial ribosomal protein L3; minus strand). Cytogenetic location: 3q22.1.
Variant type: single nucleotide variant.
Coding change: c.467G>A on transcript NM_007208.4 (MANE Select); coding-DNA position 467, G replaced by A.
Protein change: p.Arg156His; replaces arginine 156 with histidine.
Molecular consequence: missense variant.
Genome position (GRCh38, 1-based): chr3:131,498,180, C>T on the plus strand (G>A on the coding strand, the complement: MRPL3 is on the minus strand). VCF-style: chr3-131498180-C-T. GRCh37 (hg19) VCF-style: chr3-131217024-C-T.
Other names: short protein forms R156H.
Identifiers: ClinVar variation 2574363 (VCV002574363.3), dbSNP rs537480020, ClinGen allele CA2617116.